The following is an entry in ClinVar:

ClinVar aggregate classification (germline): Uncertain significance. Review status: criteria provided, multiple submitters, no conflicts (2 of 4 stars). 5 submissions from 5 submitters: Uncertain significance (5). Last evaluated 2024-12-18.

Conditions:
Familial thoracic aortic aneurysm and aortic dissection (TAAD). Also called: Thoracic aortic aneurysms and dissections. Identifiers: Orphanet 91387, MedGen C4707243, MONDO:0019625.
Ehlers-Danlos syndrome, kyphoscoliotic type 1 (EDSKSCL1). Also called: EHLERS-DANLOS SYNDROME, OCULAR-SCOLIOTIC TYPE; PLOD1-Related Kyphoscoliotic Ehlers-Danlos Syndrome; EHLERS-DANLOS SYNDROME, TYPE VIA; Ehlers-Danlos syndrome, hydroxylysine-deficient. Identifiers: Orphanet 1900, MedGen C0268342, MONDO:0016002, OMIM 225400. Disease mechanism: loss of function.

Allele frequency attached by ClinVar (database versions not stated): ExAC 0.00001; gnomAD 0.00001; gnomAD exomes 0.00001; TOPMed 0.00002; ESP Exome Variant Server 0.00008.
gnomAD v4.1: 14 of 1,612,126 alleles (0.00087%); highest among the groups gnomAD compares: Middle Eastern, 0.016%; no homozygotes.

Submissions (5):

Ambry Genetics
Classification: Uncertain significance for Familial thoracic aortic aneurysm and aortic dissection. Last evaluated: 2024-12-18. Review status: criteria provided, single submitter. Criteria: Ambry Variant Classification Scheme 2023. Collection method: clinical testing. Allele origin: germline.
Comment: The p.T32M variant (also known as c.95C>T), located in coding exon 2 of the PLOD1 gene, results from a C to T substitution at nucleotide position 95. The threonine at codon 32 is replaced by methionine, an amino acid with similar properties. This amino acid position is highly conserved in available vertebrate species. In addition, this alteration is predicted to be deleterious by in silico analysis. Since supporting evidence is limited at this time, the clinical significance of this alteration remains unclear.

Women's Health and Genetics/Laboratory Corporation of America, LabCorp
Classification: Uncertain significance. Last evaluated: 2023-07-21. Review status: criteria provided, single submitter. Criteria: LabCorp Variant Classification Summary - May 2015. Collection method: clinical testing. Allele origin: germline.

Fulgent Genetics
Classification: Uncertain significance for Ehlers-Danlos syndrome, kyphoscoliotic type 1. Last evaluated: 2021-11-22. Review status: criteria provided, single submitter. Criteria: ACMG Guidelines, 2015. Collection method: clinical testing. Allele origin: unknown.

Labcorp Genetics (formerly Invitae), Labcorp
Classification: Uncertain significance for Ehlers-Danlos syndrome, kyphoscoliotic type 1. Last evaluated: 2021-08-27. Review status: criteria provided, single submitter. Criteria: Invitae Variant Classification Sherloc (09022015). Collection method: clinical testing. Allele origin: germline.

GeneDx
Classification: Uncertain significance. Last evaluated: 2021-04-12. Review status: criteria provided, single submitter. Criteria: GeneDx Variant Classification Process June 2021. Collection method: clinical testing. Allele origin: germline. Affected: yes.
Comment: Not observed at a significant frequency in large population cohorts (Lek et al., 2016); In silico analysis supports that this missense variant has a deleterious effect on protein structure/function; Has not been previously published as pathogenic or benign to our knowledge

NM_000302.4(PLOD1):c.95C>T (p.Thr32Met)

Gene: PLOD1 (procollagen-lysine,2-oxoglutarate 5-dioxygenase 1; plus strand). Cytogenetic location: 1p36.22.
Variant type: single nucleotide variant.
Coding change: c.95C>T on transcript NM_000302.4 (MANE Select); coding-DNA position 95, C replaced by T.
Protein change: p.Thr32Met; replaces threonine 32 with methionine.
Molecular consequence: missense variant.
Genome position (GRCh38, 1-based): chr1:11,947,994, C>T. VCF-style: chr1-11947994-C-T. GRCh37 (hg19) VCF-style: chr1-12008051-C-T.
Other names: c.236C>T, p.Thr79Met (NM_001316320.2); short protein forms T32M, T79M.
Identifiers: ClinVar variation 264381 (VCV000264381.13), dbSNP rs374597380, ClinGen allele CA597781.
Genomic context (GRCh38, chr1:11,947,994, plus strand): 5'-TCATCCTCCATTCCCATTCACCATACCCTCCTCTGTCTGCAGACAACCTTTTAGTCCTCA[C>T]GGTGGCCACTAAGGAGACCGAGGGATTCCGTCGCTTCAAGCGCTCAGCTCAGTTCTTCAA-3'
Protein context (NP_000293.2, residues 22-42): AKPEDNLLVL[Thr32Met]VATKETEGFR